The following is an entry in ClinVar:

ClinVar aggregate classification (germline): Uncertain significance. Review status: criteria provided, multiple submitters, no conflicts (2 of 4 stars). 5 submissions from 5 submitters: Uncertain significance (5). Last evaluated 2024-06-07.

Conditions:
Cardiovascular phenotype. Identifiers: MedGen CN230736.
Desmin-related myofibrillar myopathy (MFM1). Also called: Desminopathy; MYOFIBRILLAR MYOPATHY WITH ARRHYTHMOGENIC RIGHT VENTRICULAR CARDIOMYOPATHY; DESMIN-RELATED MYOPATHY WITH ARRHYTHMOGENIC RIGHT VENTRICULAR CARDIOMYOPATHY; Myofibrillar myopathy 1; Desmin related myopathy (former name); Desmin storage myopathy (former name). Identifiers: Orphanet 363543, Orphanet 98909, MedGen C1832370, MONDO:0011076, OMIM 601419.
Neurogenic scapuloperoneal syndrome, Kaeser type (SCPNK). Also called: KAESER SYNDROME. Identifiers: Orphanet 85146, MedGen C1867005, MONDO:0008407, OMIM 181400.
Dilated cardiomyopathy 1I (CMD1I). Identifiers: Orphanet 154, MedGen C1858154, MONDO:0011482, OMIM 604765.

Allele frequency attached by ClinVar (database versions not stated): gnomAD 0.00001 and 0.00003; gnomAD exomes 0.00001 and 0.00002.
gnomAD v4.1: 12 of 1,613,772 alleles (0.00074%); highest among the groups gnomAD compares: Admixed American, 0.018%; no homozygotes.

Submissions (5):

Labcorp Genetics (formerly Invitae), Labcorp
Classification: Uncertain significance for Desmin-related myofibrillar myopathy. Last evaluated: 2024-06-07. Review status: criteria provided, single submitter. Criteria: Invitae Variant Classification Sherloc (09022015). Collection method: clinical testing. Allele origin: germline.
Comment: This sequence change replaces isoleucine, which is neutral and non-polar, with leucine, which is neutral and non-polar, at codon 420 of the DES protein (p.Ile420Leu). This variant is present in population databases (no rsID available, gnomAD 0.02%). This variant has not been reported in the literature in individuals affected with DES-related conditions. ClinVar contains an entry for this variant (Variation ID: 1303521). Advanced modeling of protein sequence and biophysical properties (such as structural, functional, and spatial information, amino acid conservation, physicochemical variation, residue mobility, and thermodynamic stability) performed at Invitae indicates that this missense variant is not expected to disrupt DES protein function with a negative predictive value of 80%. In summary, the available evidence is currently insufficient to determine the role of this variant in disease. Therefore, it has been classified as a Variant of Uncertain Significance.

Ambry Genetics
Classification: Uncertain significance for Cardiovascular phenotype. Last evaluated: 2024-03-04. Review status: criteria provided, single submitter. Criteria: Ambry Variant Classification Scheme 2023. Collection method: clinical testing. Allele origin: germline.
Comment: The p.I420L variant (also known as c.1258A>C), located in coding exon 7 of the DES gene, results from an A to C substitution at nucleotide position 1258. The isoleucine at codon 420 is replaced by leucine, an amino acid with highly similar properties. This amino acid position is conserved. In addition, the in silico prediction for this alteration is inconclusive. Based on the available evidence, the clinical significance of this alteration remains unclear.

ARUP Laboratories, Molecular Genetics and Genomics, ARUP Laboratories
Classification: Uncertain significance. Last evaluated: 2023-12-18. Review status: criteria provided, single submitter. Criteria: ARUP Molecular Germline Variant Investigation Process 2024. Collection method: clinical testing. Allele origin: germline.
Comment: The DES c.1258A>C; p.Ile420Leu variant (rs1427557970), to our knowledge, is not reported in the medical literature but is reported in ClinVar (Variation ID: 1303521). This variant is found in the general population with an overall allele frequency of 0.0025% (7/282830 alleles) in the Genome Aggregation Database (v2.1.1). Computational analyses are uncertain whether this variant is neutral or deleterious (REVEL: 0.375). Due to limited information, the clinical significance of this variant is uncertain at this time.

Fulgent Genetics
Classification: Uncertain significance for Neurogenic scapuloperoneal syndrome, Kaeser type; Desmin-related myofibrillar myopathy; Dilated cardiomyopathy 1I. Last evaluated: 2021-07-06. Review status: criteria provided, single submitter. Criteria: ACMG Guidelines, 2015. Collection method: clinical testing. Allele origin: unknown.

GeneDx
Classification: Uncertain significance. Last evaluated: 2020-01-21. Review status: criteria provided, single submitter. Criteria: GeneDx Variant Classification Process June 2021. Collection method: clinical testing. Allele origin: germline. Affected: yes.
Comment: Has not been previously published as pathogenic or benign to our knowledge; In silico analysis, which includes protein predictors and evolutionary conservation, supports that this variant does not alter protein structure/function

NM_001927.4(DES):c.1258A>C (p.Ile420Leu)

Gene: DES (desmin; plus strand). Cytogenetic location: 2q35.
Variant type: single nucleotide variant.
Coding change: c.1258A>C on transcript NM_001927.4 (MANE Select); coding-DNA position 1258, A replaced by C.
Protein change: p.Ile420Leu; replaces isoleucine 420 with leucine.
Molecular consequence: missense variant.
Genome position (GRCh38, 1-based): chr2:219,423,790, A>C. VCF-style: chr2-219423790-A-C. GRCh37 (hg19) VCF-style: chr2-220288512-A-C.
Other names: c.1255A>C, p.Ile419Leu (NM_001382708.1); c.826A>C, p.Ile276Leu (NM_001382709.1); c.1189A>C, p.Ile397Leu (NM_001382710.1); c.1237A>C, p.Ile413Leu (NM_001382711.1); c.1258A>C, p.Ile420Leu (NM_001382712.1); c.988A>C, p.Ile330Leu (NM_001382713.1); short protein forms I276L, I330L, I397L, I413L, I419L, I420L.
Identifiers: ClinVar variation 1303521 (VCV001303521.11), dbSNP rs1427557970, ClinGen allele CA350696558.
Genomic context (GRCh38, chr2:219,423,790, plus strand): 5'-ATGGGAGGGTTCTTAACTCTTAGGAGGTTTTGTCTCTTCCCTTTTAGGATCAATCTCCCC[A>C]TCCAGACCTACTCTGCCCTCAACTTCCGAGGTGAGTGTCTGCTGGCAGGCGGAGGCTGGA-3'
Protein context (NP_001918.3, residues 410-430): EGEESRINLP[Ile420Leu]QTYSALNFRE